The following is an entry in ClinVar:

ClinVar aggregate classification (germline): Conflicting classifications of pathogenicity. Review status: criteria provided, conflicting classifications (1 of 4 stars). 5 submissions from 5 submitters: Uncertain significance (1); Likely benign (4). Last evaluated 2026-01-11.

Conditions:
Cardiovascular phenotype. Identifiers: MedGen CN230736.
Brugada syndrome 3 (BRGDA3). Identifiers: Orphanet 130, MedGen C2678478, MONDO:0012742, OMIM 611875.
Timothy syndrome (TS). Also called: LONG QT SYNDROME WITH SYNDACTYLY. Identifiers: Orphanet 65283, MedGen C1832916, MeSH C536962, MONDO:0010979, OMIM 601005.
Long QT syndrome (LQTS). Identifiers: MedGen C0023976, MeSH D008133, MONDO:0002442. Disease mechanism: loss of function. Inheritance: Various modes of inheritance.

Allele frequency attached by ClinVar (database versions not stated): TOPMed 0.00005; gnomAD 0.00007 and 0.00008; gnomAD exomes 0.00008; ExAC 0.00011; ESP Exome Variant Server 0.00017; 1000 Genomes Project 30x 0.00047.
gnomAD v4.1: 173 of 1,613,350 alleles (0.011%); highest among the groups gnomAD compares: Non-Finnish European, 0.014%; no homozygotes.

Submissions (5):

Labcorp Genetics (formerly Invitae), Labcorp
Classification: Likely benign for Long QT syndrome. Last evaluated: 2026-01-11. Review status: criteria provided, single submitter. Criteria: Invitae Variant Classification Sherloc (09022015). Collection method: clinical testing. Allele origin: germline.

Blueprint Genetics
Classification: Likely benign. Last evaluated: 2024-10-23. Review status: criteria provided, single submitter. Criteria: ACMG Guidelines, 2015. Collection method: clinical testing. Allele origin: germline.

Ambry Genetics
Classification: Likely benign for Cardiovascular phenotype. Last evaluated: 2022-01-07. Review status: criteria provided, single submitter. Criteria: Ambry Variant Classification Scheme 2023. Collection method: clinical testing. Allele origin: germline.

Women's Health and Genetics/Laboratory Corporation of America, LabCorp
Classification: Likely benign. Last evaluated: 2020-08-17. Review status: criteria provided, single submitter. Criteria: LabCorp Variant Classification Summary - May 2015. Collection method: clinical testing. Allele origin: germline.
Comment: Variant summary: CACNA1C c.6011G>T (p.Gly2004Val) results in a non-conservative amino acid change in the encoded protein sequence. Four of five in-silico tools predict a benign effect of the variant on protein function. The variant allele was found at a frequency of 7.7e-05 in 246344 control chromosomes, predominantly at a frequency of 0.00015 within the Non-Finnish European subpopulation in the gnomAD database. The observed variant frequency within Non-Finnish European control individuals in the gnomAD database is approximately 15 fold of the estimated maximal expected allele frequency for a pathogenic variant in CACNA1C causing Timothy Syndrome phenotype (1e-05), strongly suggesting that the variant is a benign polymorphism found primarily in populations of Non-Finnish European origin. To our knowledge, no occurrence of c.6011G>T in individuals affected with Timothy Syndrome and no experimental evidence demonstrating its impact on protein function have been reported. Three ClinVar submitters (evaluation after 2014) cite the variant as uncertain significance (2x) and likely benign (1x). Based on the evidence outlined above, the variant was classified as likely benign.

Fulgent Genetics
Classification: Uncertain significance for Timothy syndrome; Brugada syndrome 3. Last evaluated: 2018-10-31. Review status: criteria provided, single submitter. Criteria: ACMG Guidelines, 2015. Collection method: clinical testing. Allele origin: unknown.

Literature cited by the submitters: PubMed 25633834 (cited by Women's Health and Genetics/Laboratory Corporation of America, LabCorp).

NM_000719.7(CACNA1C):c.6011G>T (p.Gly2004Val)

Genes: CACNA1C (calcium voltage-gated channel subunit alpha1 C; plus strand), CACNA1C-AS1 (CACNA1C antisense RNA 1; minus strand). Cytogenetic location: 12p13.33.
Variant type: single nucleotide variant.
Coding change: c.6011G>T on transcript NM_000719.7 (MANE Select); coding-DNA position 6011, G replaced by T.
Protein change: p.Gly2004Val; replaces glycine 2004 with valine.
Molecular consequence: missense variant.
Genome position (GRCh38, 1-based): chr12:2,688,673, G>T. VCF-style: chr12-2688673-G-T. GRCh37 (hg19) VCF-style: chr12-2797839-G-T.
Other names: c.6155G>T, p.Gly2052Val (NM_001129827.2); c.6134G>T, p.Gly2045Val (NM_001129829.2); c.6116G>T, p.Gly2039Val (NM_001129830.3, NM_001167624.3); c.6095G>T, p.Gly2032Val (NM_001129831.2); c.6071G>T, p.Gly2024Val (NM_001129832.2); c.6068G>T, p.Gly2023Val (NM_001129833.2, NM_001129834.2, NM_001129835.2); c.6062G>T, p.Gly2021Val (NM_001129836.2); c.6035G>T, p.Gly2012Val (NM_001129837.2, NM_001129838.2); and 6 more; short protein forms G2052V, G2004V, G2039V, G1993V, G2032V, G2064V, G2012V, G2024V.
Identifiers: ClinVar variation 456989 (VCV000456989.19), dbSNP rs374991642, ClinGen allele CA6390050.